The following is an entry in ClinVar:

ClinVar aggregate classification (germline): Uncertain significance. Review status: criteria provided, multiple submitters, no conflicts (2 of 4 stars). 3 submissions from 3 submitters: Uncertain significance (3). Last evaluated 2025-02-11.

Conditions:
PEX1-related disorder. Also called: PEX1-related condition.
Zellweger spectrum disorders (ZS). Also called: Zellweger syndrome; Zellweger Spectrum Disorder; Zellweger Spectrum; Zellweger Spectrum Disorder (ZSD). Identifiers: Orphanet 912, MedGen C0043459, MONDO:0019609.

Allele frequency attached by ClinVar (database versions not stated): ExAC 0.00001; gnomAD 0.00001; gnomAD exomes 0.00001; TOPMed 0.00002.

Submissions (3):

PreventionGenetics, part of Exact Sciences
Classification: Uncertain significance for PEX1-related condition. Last evaluated: 2025-02-11. Review status: criteria provided, single submitter. Criteria: ACMG Guidelines, 2015. Collection method: clinical testing. Allele origin: germline.
Comment: The PEX1 c.1562A>G variant is predicted to result in the amino acid substitution p.Asn521Ser. To our knowledge, this variant has not been reported in the literature. This variant is reported in 0.0016% of alleles in individuals of European (Non-Finnish) descent in gnomAD. At this time, the clinical significance of this variant is uncertain due to the absence of conclusive functional and genetic evidence.

Labcorp Genetics (formerly Invitae), Labcorp
Classification: Uncertain significance for Zellweger spectrum disorders. Last evaluated: 2022-05-17. Review status: criteria provided, single submitter. Criteria: Invitae Variant Classification Sherloc (09022015). Collection method: clinical testing. Allele origin: germline.
Comment: This sequence change replaces asparagine, which is neutral and polar, with serine, which is neutral and polar, at codon 521 of the PEX1 protein (p.Asn521Ser). This variant is present in population databases (rs750409422, gnomAD 0.002%). This variant has not been reported in the literature in individuals affected with PEX1-related conditions. Advanced modeling of protein sequence and biophysical properties (such as structural, functional, and spatial information, amino acid conservation, physicochemical variation, residue mobility, and thermodynamic stability) performed at Invitae indicates that this missense variant is not expected to disrupt PEX1 protein function. Algorithms developed to predict the effect of sequence changes on RNA splicing suggest that this variant may create or strengthen a splice site. In summary, the available evidence is currently insufficient to determine the role of this variant in disease. Therefore, it has been classified as a Variant of Uncertain Significance.

Blueprint Genetics
Classification: Uncertain significance. Last evaluated: 2022-05-13. Review status: criteria provided, single submitter. Criteria: ACMG Guidelines, 2015. Collection method: clinical testing. Allele origin: germline.

NM_000466.3(PEX1):c.1562A>G (p.Asn521Ser)

Gene: PEX1 (peroxisomal biogenesis factor 1; minus strand). Cytogenetic location: 7q21.2.
Variant type: single nucleotide variant.
Coding change: c.1562A>G on transcript NM_000466.3 (MANE Select); coding-DNA position 1562, A replaced by G.
Protein change: p.Asn521Ser; replaces asparagine 521 with serine.
Molecular consequence: missense variant.
Genome position (GRCh38, 1-based): chr7:92,510,969, T>C on the plus strand (A>G on the coding strand, the complement: PEX1 is on the minus strand). VCF-style: chr7-92510969-T-C. GRCh37 (hg19) VCF-style: chr7-92140283-T-C.
Other names: c.1562A>G (NM_000466.2); c.1562A>G, p.Asn521Ser (NM_001282677.2); c.938A>G, p.Asn313Ser (NM_001282678.2); short protein forms N313S, N521S.
Identifiers: ClinVar variation 2188352 (VCV002188352.3), dbSNP rs750409422, ClinGen allele CA4341375.